The following is an entry in ClinVar:

ClinVar aggregate classification (germline): Benign. Review status: criteria provided, multiple submitters, no conflicts (2 of 4 stars). 3 submissions from 3 submitters: Benign (2). 1 of the submissions does not count toward it. Last evaluated 2018-06-19.

Allele frequency attached by ClinVar (database versions not stated): 1000 Genomes Project 0.05891; 1000 Genomes Project 30x 0.05918; TOPMed 0.08601; ESP Exome Variant Server 0.08845; gnomAD 0.08883.
gnomAD v4.1: 190,663 of 1,609,650 alleles (12%); highest among the groups gnomAD compares: Non-Finnish European, 14%; 12,283 homozygotes.

Submissions (3):

GeneDx
Classification: Benign. Last evaluated: 2018-06-19. Review status: criteria provided, single submitter. Criteria: GeneDx Variant Classification (06012015). Collection method: clinical testing. Allele origin: germline. Affected: yes.
Comment: This variant is considered likely benign or benign based on one or more of the following criteria: it is a conservative change, it occurs at a poorly conserved position in the protein, it is predicted to be benign by multiple in silico algorithms, and/or has population frequency not consistent with disease.

Breakthrough Genomics
Classification: Benign. Review status: criteria provided, single submitter. Criteria: ACMG Guidelines, 2015. Collection method: not provided. Allele origin: germline. Inheritance: Autosomal recessive inheritance. Affected: yes.

Genetic Services Laboratory, University of Chicago
Classification: Likely benign. Review status: no assertion criteria provided. Collection method: clinical testing. Allele origin: germline. Inheritance: Autosomal recessive inheritance. Not counted in ClinVar's aggregate classification.
Comment: Likely benign based on allele frequency in 1000 Genomes Project or ESP global frequency and its presence in a patient with a rare or unrelated disease phenotype. NOT Sanger confirmed

NM_001191061.2(SLC25A22):c.293+27G>A

Gene: SLC25A22 (solute carrier family 25 member 22; minus strand). Cytogenetic location: 11p15.5.
Variant type: single nucleotide variant.
Coding change: c.293+27G>A on transcript NM_001191061.2 (MANE Select); 27 bases into the intron after coding-DNA position 293, G replaced by A.
Molecular consequence: intron variant.
Genome position (GRCh38, 1-based): chr11:793,502, C>T on the plus strand (G>A on the coding strand, the complement: SLC25A22 is on the minus strand). VCF-style: chr11-793502-C-T. GRCh37 (hg19) VCF-style: chr11-793502-C-T.
Other names: c.293+27G>A (NM_001191060.2, NM_024698.6).
Identifiers: ClinVar variation 159914 (VCV000159914.7), dbSNP rs79478359, ClinGen allele CA173477.